The following is an entry in ClinVar:

ClinVar aggregate classification (germline): Conflicting classifications of pathogenicity. Review status: criteria provided, conflicting classifications (1 of 4 stars). 4 submissions from 4 submitters: Uncertain significance (1); Likely benign (3). Last evaluated 2024-02-23.

Conditions:
RYR1-related disorder. Also called: RYR1-related disorders; RYR1-related condition. Identifiers: MedGen CN239331.
Malignant hyperthermia, susceptibility to, 1 (MHS1). Also called: Anesthesia related hyperthermia; RYR1-Related Malignant Hyperthermia Susceptibility; Malignant hyperpyrexia; Fulminating hyperpyrexia; Pharmacogenic myopathy; Malignant hyperthermia suceptibility 1. Identifiers: Orphanet 423, MedGen C2930980, MONDO:0007783, OMIM 145600.

Allele frequency attached by ClinVar (database versions not stated): ExAC 0.00001; gnomAD exomes 0.00001 and 0.00002.
gnomAD v4.1: 5 of 1,614,172 alleles (0.00031%); highest among the groups gnomAD compares: Admixed American, 0.0083%; no homozygotes.

Submissions (4):

GeneDx
Classification: Uncertain significance. Last evaluated: 2024-02-23. Review status: criteria provided, single submitter. Criteria: GeneDx Variant Classification Process June 2021. Collection method: clinical testing. Allele origin: germline. Affected: yes.
Comment: Not observed at significant frequency in large population cohorts (gnomAD); In silico analysis supports that this variant does not alter splicing; Has not been previously published as pathogenic or benign to our knowledge

Labcorp Genetics (formerly Invitae), Labcorp
Classification: Likely benign for RYR1-related disorder. Last evaluated: 2023-06-09. Review status: criteria provided, single submitter. Criteria: Invitae Variant Classification Sherloc (09022015). Collection method: clinical testing. Allele origin: germline.

Blueprint Genetics
Classification: Likely benign. Last evaluated: 2023-01-13. Review status: criteria provided, single submitter. Criteria: ACMG Guidelines, 2015. Collection method: clinical testing. Allele origin: germline.

Color Diagnostics, LLC DBA Color Health
Classification: Likely benign for Malignant hyperthermia, susceptibility to, 1. Last evaluated: 2022-11-06. Review status: criteria provided, single submitter. Criteria: ACMG Guidelines, 2015. Collection method: clinical testing. Allele origin: germline.

NM_000540.3(RYR1):c.8115C>T (p.Ala2705=)

Gene: RYR1 (ryanodine receptor 1; plus strand). Cytogenetic location: 19q13.2.
Variant type: single nucleotide variant.
Coding change: c.8115C>T on transcript NM_000540.3 (MANE Select); coding-DNA position 8115, C replaced by T.
Protein change: p.Ala2705=; no amino-acid change (alanine 2705 retained).
Molecular consequence: synonymous variant.
Genome position (GRCh38, 1-based): chr19:38,504,795, C>T. VCF-style: chr19-38504795-C-T. GRCh37 (hg19) VCF-style: chr19-38995435-C-T.
Other names: c.8115C>T (NM_000540.2); c.8115C>T, p.Ala2705= (NM_001042723.2).
Identifiers: ClinVar variation 1661352 (VCV001661352.11), dbSNP rs761249404, ClinGen allele CA071497.